The following is an entry in ClinVar:

ClinVar aggregate classification (germline): Uncertain significance (1 of 4 stars; one submission).

Conditions:
Glanzmann thrombasthenia. Also called: BLEEDING DISORDER, PLATELET-TYPE, 2; THROMBASTHENIA OF GLANZMANN AND NAEGELI; PLATELET GLYCOPROTEIN IIb-IIIa DEFICIENCY; Thrombasthenia; Glanzmann's thrombasthenia. Identifiers: Orphanet 849, MedGen C0040015, MONDO:0100326.

gnomAD v4.1: 2 of 1,610,570 alleles (0.00012%); highest among the groups gnomAD compares: Non-Finnish European, 0.00017%; no homozygotes.

Submission:

Labcorp Genetics (formerly Invitae), Labcorp
Classification: Uncertain significance for Glanzmann thrombasthenia. Last evaluated: 2025-01-22. Review status: criteria provided, single submitter. Criteria: Invitae Variant Classification Sherloc (09022015). Collection method: clinical testing. Allele origin: germline.
Comment: This sequence change replaces glycine, which is neutral and non-polar, with aspartic acid, which is acidic and polar, at codon 395 of the ITGA2B protein (p.Gly395Asp). This variant is present in population databases (rs763194651, gnomAD 0.0009%). This variant has not been reported in the literature in individuals affected with ITGA2B-related conditions. Invitae Evidence Modeling of protein sequence and biophysical properties (such as structural, functional, and spatial information, amino acid conservation, physicochemical variation, residue mobility, and thermodynamic stability) indicates that this missense variant is expected to disrupt ITGA2B protein function with a positive predictive value of 95%. In summary, the available evidence is currently insufficient to determine the role of this variant in disease. Therefore, it has been classified as a Variant of Uncertain Significance.

NM_000419.5(ITGA2B):c.1184G>A (p.Gly395Asp)

Gene: ITGA2B (integrin subunit alpha 2b; minus strand). Cytogenetic location: 17q21.31.
Variant type: single nucleotide variant.
Coding change: c.1184G>A on transcript NM_000419.5 (MANE Select); coding-DNA position 1184, G replaced by A.
Protein change: p.Gly395Asp; replaces glycine 395 with aspartic acid.
Molecular consequence: missense variant.
Genome position (GRCh38, 1-based): chr17:44,383,519, C>T on the plus strand (G>A on the coding strand, the complement: ITGA2B is on the minus strand). VCF-style: chr17-44383519-C-T. GRCh37 (hg19) VCF-style: chr17-42460887-C-T.
Other names: short protein forms G395D.
Identifiers: ClinVar variation 3718921 (VCV003718921.2).